The following is an entry in ClinVar:

NM_153460.4(IL17RC):c.719A>T (p.Asn240Ile)

Gene: IL17RC (interleukin 17 receptor C; plus strand). Cytogenetic location: 3p25.3.
Variant type: single nucleotide variant.
Coding change: c.719A>T on transcript NM_153460.4 (MANE Select); coding-DNA position 719, A replaced by T.
Protein change: p.Asn240Ile; replaces asparagine 240 with isoleucine.
Molecular consequence: missense variant. On other transcripts: non-coding transcript variant (1).
Genome position (GRCh38, 1-based): chr3:9,923,977, A>T. VCF-style: chr3-9923977-A-T. GRCh37 (hg19) VCF-style: chr3-9965661-A-T.
Other names: c.719A>T, p.Asn240Ile (NM_001203263.2, NM_001203264.2, NM_001367278.1); c.674A>T, p.Asn225Ile (NM_001203265.2, NM_001367280.1, NM_032732.6); c.599A>T, p.Asn200Ile (NM_001367279.1); c.932A>T, p.Asn311Ile (NM_153461.4); short protein forms N240I, N200I, N225I, N311I.
Identifiers: ClinVar variation 959763 (VCV000959763.2), dbSNP rs750588765, ClinGen allele CA2246934.

ClinVar aggregate classification (germline): Uncertain significance (1 of 4 stars; one submission).

Conditions:
Candidiasis, familial, 9 (CANDF9). Identifiers: Orphanet 1334, MedGen C4225324, MONDO:0014642, OMIM 616445.

Allele frequency attached by ClinVar (database versions not stated): gnomAD exomes below 0.00001; ExAC 0.00001.
gnomAD v4.1: 6 of 1,614,122 alleles (0.00037%); highest among the groups gnomAD compares: Middle Eastern, 0.082%; no homozygotes.

Submission:

Labcorp Genetics (formerly Invitae), Labcorp
Classification: Uncertain significance for Candidiasis, familial, 9. Last evaluated: 2025-11-16. Review status: criteria provided, single submitter. Criteria: Invitae Variant Classification Sherloc (09022015). Collection method: clinical testing. Allele origin: germline.
Comment: This sequence change replaces asparagine, which is neutral and polar, with isoleucine, which is neutral and non-polar, at codon 311 of the IL17RC protein (p.Asn311Ile). This variant is present in population databases (rs750588765, gnomAD 0.0009%). This variant has not been reported in the literature in individuals affected with IL17RC-related conditions. ClinVar contains an entry for this variant (Variation ID: 959763). An algorithm developed to predict the effect of missense changes on protein structure and function (PolyPhen-2) suggests that this variant is likely to be tolerated. In summary, the available evidence is currently insufficient to determine the role of this variant in disease. Therefore, it has been classified as a Variant of Uncertain Significance.